The following is an entry in ClinVar:

NM_002458.3(MUC5B):c.1497C>T (p.Gly499=)

Gene: MUC5B (mucin 5B, oligomeric mucus/gel-forming; plus strand). Cytogenetic location: 11p15.5.
Variant type: single nucleotide variant.
Coding change: c.1497C>T on transcript NM_002458.3 (MANE Select); coding-DNA position 1497, C replaced by T.
Protein change: p.Gly499=; no amino-acid change (glycine 499 retained).
Molecular consequence: synonymous variant.
Genome position (GRCh38, 1-based): chr11:1,230,962, C>T. VCF-style: chr11-1230962-C-T. GRCh37 (hg19) VCF-style: chr11-1252192-C-T.
Identifiers: ClinVar variation 504731 (VCV000504731.34), dbSNP rs377351415, ClinGen allele CA5804312.

ClinVar aggregate classification (germline): Benign/Likely benign. Review status: criteria provided, multiple submitters, no conflicts (2 of 4 stars). 4 submissions from 4 submitters: Benign (1); Likely benign (3). Last evaluated 2022-06-01.

Allele frequency attached by ClinVar (database versions not stated): 1000 Genomes Project 30x 0.00062; 1000 Genomes Project 0.00080; gnomAD exomes 0.00135 and 0.00226; gnomAD 0.00141 and 0.00146; TOPMed 0.00162; ESP Exome Variant Server 0.00189; ExAC 0.00342.
gnomAD v4.1: 3,438 of 1,596,910 alleles (0.22%); highest among the groups gnomAD compares: Non-Finnish European, 0.27%; 2 homozygotes.

Submissions (6):

CeGaT Center for Human Genetics Tuebingen
Classification: Likely benign. Last evaluated: 2022-06-01. Review status: criteria provided, single submitter. Criteria: CeGaT Center For Human Genetics Tuebingen Variant Classification Criteria Version 2. Collection method: clinical testing. Allele origin: germline. Affected: yes. Observed: 2 variant alleles.
Comment: MUC5B: BP4, BP7

Labcorp Genetics (formerly Invitae), Labcorp
Classification: Benign. Last evaluated: 2019-12-31. Review status: criteria provided, single submitter. Criteria: Invitae Variant Classification Sherloc (09022015). Collection method: clinical testing. Allele origin: germline.

Laboratory for Molecular Medicine, Mass General Brigham Personalized Medicine
Classification: Likely benign. Last evaluated: 2013-02-21. Review status: criteria provided, single submitter. Criteria: LMM Criteria. Collection method: clinical testing. Allele origin: germline. Observed: 1 variant allele.
Comment: p.Gly499Gly in exon 13 of MUC5B: This variant is not expected to have clinical s ignificance because it does not alter an amino acid residue and is not located w ithin the splice consensus sequence. It has been identified in 0.25% (276/111590 ) of European chromosomes by the Genome Aggregation Database (gnomAD; dbSNP rs377351415). ACMG/AMP Criteria applied: BP4, BP7.

Breakthrough Genomics
Classification: Likely benign. Review status: criteria provided, single submitter. Criteria: ACMG Guidelines, 2015. Collection method: not provided. Allele origin: germline. Inheritance: Autosomal dominant inheritance. Affected: yes.

Dr. Peter K. Rogan Lab, Western University
No classification provided (evidence only). Condition: Colon adenocarcinoma. Review status: no classification provided. Collection method: in vitro. Allele origin: not applicable. Functional consequence: retained intron. Not counted in ClinVar's aggregate classification.

Dr. Peter K. Rogan Lab, Western University
No classification provided (evidence only). Condition: Gastric cancer. Review status: no classification provided. Collection method: in vitro. Allele origin: not applicable. Functional consequence: retained intron. Not counted in ClinVar's aggregate classification.